The following is an entry in ClinVar:

NM_000089.4(COL1A2):c.2027G>T (p.Gly676Val)

Gene: COL1A2 (collagen type I alpha 2 chain; plus strand). Cytogenetic location: 7q21.3.
Variant type: single nucleotide variant.
Coding change: c.2027G>T on transcript NM_000089.4 (MANE Select); coding-DNA position 2027, G replaced by T.
Protein change: p.Gly676Val; replaces glycine 676 with valine.
Molecular consequence: missense variant.
Genome position (GRCh38, 1-based): chr7:94,419,499, G>T. VCF-style: chr7-94419499-G-T. GRCh37 (hg19) VCF-style: chr7-94048811-G-T.
Other names: short protein forms G676V.
Identifiers: ClinVar variation 4075346 (VCV004075346.1).

ClinVar aggregate classification (germline): Pathogenic (1 of 4 stars; one submission).

Conditions:
Osteogenesis imperfecta type III (OI3). Also called: Progressively Deforming Osteogenesis Imperfecta; Osteogenesis imperfecta type 3; OI type 3; Osteogenesis imperfecta, progressively deforming with normal sclerae; OI type III. Identifiers: Orphanet 216812, Orphanet 666, MedGen C0268362, MONDO:0009804, OMIM 259420.

Submission:

Clinical Biomedical Laboratory, Shriners Hospital For Children - Canada
Classification: Pathogenic for Osteogenesis imperfecta type III. Last evaluated: 2025-07-16. Review status: criteria provided, single submitter. Criteria: ACMG Guidelines, 2015. Collection method: clinical testing. Allele origin: germline. Affected: yes.
Comment: This variant is predicted to substitute a glycine residue by a valine residue in the alpha 2 chain of collagen type 1. This variant is absent from the Genome Aggregation Database (v2.1.1). Glycine substitutions in the triple helical domain of collagen type I cause disruption in the formation of the triple helix in the collagen molecule and are a typical cause of osteogenesis imperfecta (PMID: 27509835).

Literature cited by the submitters: PubMed 27509835.